The following is an entry in ClinVar:

ClinVar aggregate classification (germline): Uncertain significance (1 of 4 stars; one submission).

Allele frequency attached by ClinVar (database versions not stated): gnomAD exomes below 0.00001; ExAC 0.00001; TOPMed 0.00001.
gnomAD v4.1: 1 of 1,613,560 alleles (0.000062%); highest among the groups gnomAD compares: South Asian, 0.0011%; no homozygotes.

Submission:

Laboratory for Molecular Medicine, Mass General Brigham Personalized Medicine
Classification: Uncertain significance. Last evaluated: 2013-03-08. Review status: criteria provided, single submitter. Criteria: LMM Criteria. Collection method: clinical testing. Allele origin: germline. Observed: 1 variant allele.
Comment: The Thr26Met variant in TMPO has not been reported in the literature nor previou sly identified by our laboratory. It has not been identified in large European A merican and African American populations by the NHLBI Exome Sequencing Project but coverage at this position was borderline, reducing confidence in this data. Computational analyses (biochemical amino acid properties, conservation, AlignGVGD, PolyPhen2, and SIFT) do not provide strong support for or against an impact to the protein. Additional information is nee ded to fully assess the clinical significance of the Thr26Met variant.

NM_001032283.3(TMPO):c.77C>T (p.Thr26Met)

Genes: TMPO (thymopoietin; plus strand), TMPO-AS1 (TMPO antisense RNA 1; minus strand). Cytogenetic location: 12q23.1.
Variant type: single nucleotide variant.
Coding change: c.77C>T on transcript NM_001032283.3 (MANE Select); coding-DNA position 77, C replaced by T.
Protein change: p.Thr26Met; replaces threonine 26 with methionine.
Molecular consequence: missense variant.
Genome position (GRCh38, 1-based): chr12:98,515,944, C>T. VCF-style: chr12-98515944-C-T. GRCh37 (hg19) VCF-style: chr12-98909722-C-T.
Other names: c.77C>T, p.Thr26Met (NM_001032284.3, NM_001307975.2, NM_003276.2); short protein forms T26M.
Identifiers: ClinVar variation 43692 (VCV000043692.5), dbSNP rs397516494, ClinGen allele CA132906.